The following is an entry in ClinVar:

NM_000138.5(FBN1):c.4196_4197insA (p.Phe1400fs)

Gene: FBN1 (fibrillin 1; minus strand). Cytogenetic location: 15q21.1.
Variant type: Insertion.
Coding change: c.4196_4197insA on transcript NM_000138.5 (MANE Select); coding-DNA positions 4196 to 4197, A inserted.
Protein change: p.Phe1400fs; shifts the reading frame from phenylalanine 1400.
Molecular consequence: frameshift variant.
Genome position: GRCh38 VCF-style: chr15-48474268-G-GT. GRCh37 (hg19) VCF-style: chr15-48766465-G-GT.
Other names: c.4196_4197insA, p.Phe1400Leufs (NM_001406716.1); short protein forms F1400fs.
Identifiers: ClinVar variation 1705438 (VCV001705438.1), dbSNP rs2505517344, ClinGen allele CA2580089708.

ClinVar aggregate classification (germline): Likely pathogenic (1 of 4 stars; one submission).

Conditions:
Marfan syndrome (MFS). Also called: Marfan's syndrome; Marfan syndrome, classic; MARFAN SYNDROME, TYPE I; Marfan syndrome type 1; FBN1-Related Marfan Syndrome. Identifiers: Orphanet 284963, Orphanet 558, MedGen C0024796, MONDO:0007947, OMIM 154700.

Submission:

3billion
Classification: Likely pathogenic for Marfan syndrome. Last evaluated: 2022-09-01. Review status: criteria provided, single submitter. Criteria: ACMG Guidelines, 2015. Collection method: clinical testing. Allele origin: germline. Affected: yes. Observed: 1 heterozygote.
Comment: The variant is not observed in the gnomAD v2.1.1 dataset. Frameshift variant is predicted to result in a loss or disruption of normal protein function through nonsense-mediated decay (NMD) or protein truncation. Multiple pathogenic variants are reported downstream of the variant. Therefore, this variant is classified as Likely pathogenic according to the recommendation of ACMG/AMP guideline.